The following is an entry in ClinVar:

NM_001365951.3(KIF1B):c.5431C>T (p.Pro1811Ser)

Gene: KIF1B (kinesin family member 1B; plus strand). Cytogenetic location: 1p36.22.
Variant type: single nucleotide variant.
Coding change: c.5431C>T on transcript NM_001365951.3 (MANE Select); coding-DNA position 5431, C replaced by T.
Protein change: p.Pro1811Ser; replaces proline 1811 with serine.
Molecular consequence: missense variant.
Genome position (GRCh38, 1-based): chr1:10,376,567, C>T. VCF-style: chr1-10376567-C-T. GRCh37 (hg19) VCF-style: chr1-10436625-C-T.
Other names: c.5431C>T, p.Pro1811Ser (NM_001365952.1); c.5293C>T, p.Pro1765Ser (NM_015074.3); short protein forms P1811S, P1765S.
Identifiers: ClinVar variation 1746645 (VCV001746645.2), dbSNP rs1418951747, ClinGen allele CA338332172.

ClinVar aggregate classification (germline): Uncertain significance (1 of 4 stars; one submission).

gnomAD v4.1: 3 of 1,614,086 alleles (0.00019%); highest among the groups gnomAD compares: Non-Finnish European, 0.00025%; no homozygotes.

Submission:

Ambry Genetics
Classification: Uncertain significance. Last evaluated: 2022-06-09. Review status: criteria provided, single submitter. Criteria: Ambry Variant Classification Scheme 2023. Collection method: clinical testing. Allele origin: germline.
Comment: The p.P1765S variant (also known as c.5293C>T), located in coding exon 46 of the KIF1B gene, results from a C to T substitution at nucleotide position 5293. The proline at codon 1765 is replaced by serine, an amino acid with similar properties. This amino acid position is conserved. In addition, this alteration is predicted to be tolerated by in silico analysis. Since supporting evidence is limited at this time, the clinical significance of this alteration remains unclear.